The following is an entry in ClinVar:

NM_000059.4(BRCA2):c.472T>A (p.Ser158Thr)

Gene: BRCA2 (BRCA2 DNA repair associated; plus strand). Cytogenetic location: 13q13.1.
Variant type: single nucleotide variant.
Coding change: c.472T>A on transcript NM_000059.4 (MANE Select); coding-DNA position 472, T replaced by A.
Protein change: p.Ser158Thr; replaces serine 158 with threonine.
Molecular consequence: missense variant.
Genome position (GRCh38, 1-based): chr13:32,326,147, T>A. VCF-style: chr13-32326147-T-A. GRCh37 (hg19) VCF-style: chr13-32900284-T-A.
Other names: short protein forms S158T.
Identifiers: ClinVar variation 1055054 (VCV001055054.12), dbSNP rs113114005, ClinGen allele CA6940370.

ClinVar aggregate classification (germline): Uncertain significance. Review status: criteria provided, multiple submitters, no conflicts (2 of 4 stars). 2 submissions from 2 submitters: Uncertain significance (2). Last evaluated 2025-12-16.

Conditions:
Hereditary cancer-predisposing syndrome. Also called: Hereditary Cancer Syndrome; Tumor predisposition; Hereditary neoplastic syndrome; Neoplastic Syndromes, Hereditary. Identifiers: Orphanet 140162, MedGen C0027672, MeSH D009386, MONDO:0015356.
Hereditary breast ovarian cancer syndrome. Also called: Hereditary breast and/or ovarian cancer syndrome; Hereditary breast and ovarian cancer syndrome; Hereditary breast and ovarian cancer syndrome (HBOC); Breast and ovarian cancer; Hereditary breast and ovarian cancer; BRCA1- and BRCA2-Associated Hereditary Breast and Ovarian Cancer. Identifiers: Orphanet 145, MedGen C0677776, MeSH D061325, MONDO:0003582. Disease mechanism: loss of function.

Allele frequency attached by ClinVar (database versions not stated): gnomAD exomes below 0.00001; ExAC 0.00001.
gnomAD v4.1: 1 of 1,608,976 alleles (0.000062%); highest among the groups gnomAD compares: Non-Finnish European, 0.000085%; no homozygotes.

Submissions (2):

Labcorp Genetics (formerly Invitae), Labcorp
Classification: Uncertain significance for Hereditary breast ovarian cancer syndrome. Last evaluated: 2025-12-16. Review status: criteria provided, single submitter. Criteria: Invitae Variant Classification Sherloc (09022015). Collection method: clinical testing. Allele origin: germline.
Comment: This sequence change replaces serine, which is neutral and polar, with threonine, which is neutral and polar, at codon 158 of the BRCA2 protein (p.Ser158Thr). This variant is present in population databases (rs113114005, gnomAD 0.0009%). This variant has not been reported in the literature in individuals affected with BRCA2-related conditions. ClinVar contains an entry for this variant (Variation ID: 1055054). Invitae Evidence Modeling of protein sequence and biophysical properties (such as structural, functional, and spatial information, amino acid conservation, physicochemical variation, residue mobility, and thermodynamic stability) indicates that this missense variant is not expected to disrupt BRCA2 protein function with a negative predictive value of 95%. In summary, the available evidence is currently insufficient to determine the role of this variant in disease. Therefore, it has been classified as a Variant of Uncertain Significance.

Ambry Genetics
Classification: Uncertain significance for Hereditary cancer-predisposing syndrome. Last evaluated: 2024-04-12. Review status: criteria provided, single submitter. Criteria: Ambry Variant Classification Scheme 2023. Collection method: clinical testing. Allele origin: germline.
Comment: The p.S158T variant (also known as c.472T>A), located in coding exon 4 of the BRCA2 gene, results from a T to A substitution at nucleotide position 472. The serine at codon 158 is replaced by threonine, an amino acid with similar properties. This amino acid position is not well conserved in available vertebrate species. In addition, this alteration is predicted to be tolerated by in silico analysis. Based on the available evidence, the clinical significance of this variant remains unclear.